The following is an entry in ClinVar:

NM_000944.5(PPP3CA):c.1339G>A (p.Ala447Thr)

Gene: PPP3CA (protein phosphatase 3 catalytic subunit alpha; minus strand). Cytogenetic location: 4q24.
Variant type: single nucleotide variant.
Coding change: c.1339G>A on transcript NM_000944.5 (MANE Select); coding-DNA position 1339, G replaced by A.
Protein change: p.Ala447Thr; replaces alanine 447 with threonine.
Molecular consequence: missense variant.
Genome position (GRCh38, 1-based): chr4:101,032,267, C>T on the plus strand (G>A on the coding strand, the complement: PPP3CA is on the minus strand). VCF-style: chr4-101032267-C-T. GRCh37 (hg19) VCF-style: chr4-101953424-C-T.
Other names: c.1339G>A, p.Ala447Thr (NM_001130691.2); c.1213G>A, p.Ala405Thr (NM_001130692.2); short protein forms A447T, A405T.
Identifiers: ClinVar variation 441273 (VCV000441273.22), dbSNP rs1553920374, ClinGen allele CA357947948.
Genomic context (GRCh38, chr4:101,032,267, plus strand): 5'-TCTAATGACACAGCTGACTGCGATGCCCCAGCACACAGTCATACCCATCAGCCTGCTTAC[C>T]GCTTTGCAGGGTTTGCTTCCCTCCAGAAAGTACTCCGCTGGGGAGCATGCCAGTTGGGGT-3'
Protein context (NP_000935.1, residues 437-457): LSGGKQTLQS[Ala447Thr]TVEAIEADEA

ClinVar aggregate classification (germline): Pathogenic/Likely pathogenic. Review status: criteria provided, multiple submitters, no conflicts (2 of 4 stars). 5 submissions from 5 submitters: Pathogenic (3); Likely pathogenic (1). 1 of the submissions does not count toward it. Last evaluated 2025-05-01.

Conditions:
Developmental and epileptic encephalopathy 91. Also called: EPILEPTIC ENCEPHALOPATHY, INFANTILE OR EARLY CHILDHOOD, 1. Identifiers: MedGen C4540199, MONDO:0020630, OMIM 617711.

gnomAD v4.1: 1 of 1,595,476 alleles (0.000063%); highest among the groups gnomAD compares: Non-Finnish European, 0.000085%; no homozygotes.

Submissions (5):

CeGaT Center for Human Genetics Tuebingen
Classification: Likely pathogenic. Last evaluated: 2025-05-01. Review status: criteria provided, single submitter. Criteria: CeGaT Center For Human Genetics Tuebingen Variant Classification Criteria Version 2. Collection method: clinical testing. Allele origin: germline. Affected: yes. Observed: 1 variant allele.
Comment: PPP3CA: PM2, PS2:Moderate, PM5:Supporting, PP2, PP3, PS4:Supporting

Department of Neurology, Zibo Changguo Hospital
Classification: Pathogenic for Developmental and epileptic encephalopathy 91. Last evaluated: 2025-01-09. Review status: criteria provided, single submitter. Criteria: ACMG Guidelines, 2015. Collection method: clinical testing. Allele origin: de novo. Inheritance: Autosomal dominant inheritance. Affected: yes.
Comment: PM6_Strong, PM1, PM5, PM2_Supporting, PP2

Labcorp Genetics (formerly Invitae), Labcorp
Classification: Pathogenic. Last evaluated: 2024-02-06. Review status: criteria provided, single submitter. Criteria: Invitae Variant Classification Sherloc (09022015). Collection method: clinical testing. Allele origin: germline.
Comment: This sequence change replaces alanine, which is neutral and non-polar, with threonine, which is neutral and polar, at codon 447 of the PPP3CA protein (p.Ala447Thr). This variant also falls at the last nucleotide of exon 12, which is part of the consensus splice site for this exon. This variant is not present in population databases (gnomAD no frequency). This missense change has been observed in individual(s) with developmental and epileptic encephalopathy (DEE) (PMID: 28942967). In at least one individual the variant was observed to be de novo. ClinVar contains an entry for this variant (Variation ID: 441273). An algorithm developed to predict the effect of missense changes on protein structure and function (PolyPhen-2) suggests that this variant is likely to be disruptive. Variants that disrupt the consensus splice site are a relatively common cause of aberrant splicing (PMID: 17576681, 9536098). Algorithms developed to predict the effect of sequence changes on RNA splicing suggest that this variant may disrupt the consensus splice site. For these reasons, this variant has been classified as Pathogenic.

3billion
Classification: Pathogenic for Developmental and epileptic encephalopathy 91. Last evaluated: 2023-02-23. Review status: criteria provided, single submitter. Criteria: ACMG Guidelines, 2015. Collection method: clinical testing. Allele origin: unknown. Affected: yes.
Comment: The variant is not observed in the gnomAD v2.1.1 dataset. Missense changes are a common disease-causing mechanism. In silico tools predict the variant to alter splicing and produce an abnormal transcript (SpliceAI: 0.61). Same nucleotide change resulting in same amino acid change has been previously reported to be associated with PPP3CA related disorder (ClinVar ID: VCV000441273 / PMID: 28942967). The variant has been previously reported as de novo in a similarly affected individual (PMID: 28942967). A different missense change at the same codon (p.Ala447Ser) has been reported to be associated with PPP3CA related disorder (PMID: 32238909). Therefore, this variant is classified as Pathogenic according to the recommendation of ACMG/AMP guideline.

OMIM
Classification: Pathogenic for DEVELOPMENTAL AND EPILEPTIC ENCEPHALOPATHY 91. Last evaluated: 2021-03-15. Review status: no assertion criteria provided. Collection method: literature only. Allele origin: germline. Not counted in ClinVar's aggregate classification.

Literature cited by the submitters: PubMed 28942967 (cited by 3 submitters); PubMed 17576681 (cited by Labcorp Genetics (formerly Invitae), Labcorp); PubMed 9536098 (cited by Labcorp Genetics (formerly Invitae), Labcorp); PubMed 32238909 (cited by 3billion).